The following is an entry in ClinVar:

ClinVar aggregate classification (germline): Uncertain significance (1 of 4 stars; one submission).

Conditions:
Chuvash polycythemia. Also called: POLYCYTHEMIA, VHL-DEPENDENT. Identifiers: Orphanet 238557, MedGen C1837915, MONDO:0009892, OMIM 263400.
Von Hippel-Lindau syndrome (VHLS). Also called: von Hippel–Lindau syndrome; VHL syndrome; Von Hippel-Lindau. Identifiers: Orphanet 892, MedGen C0019562, MONDO:0008667, OMIM 193300. Disease mechanism: loss of function.

Submission:

Labcorp Genetics (formerly Invitae), Labcorp
Classification: Uncertain significance for Von Hippel-Lindau syndrome; Chuvash polycythemia. Last evaluated: 2023-01-16. Review status: criteria provided, single submitter. Criteria: Invitae Variant Classification Sherloc (09022015). Collection method: clinical testing. Allele origin: germline.
Comment: This variant has not been reported in the literature in individuals affected with VHL-related conditions. This sequence change falls in intron 1 of the VHL gene. It is not expected to change the encoded amino acid sequence of the VHL protein. However, this sequence change falls within a cryptic exon in the VHL gene, known as exon E1’, which is naturally expressed at low levels in several human tissues (PMID: 29891534). This variant is not present in population databases (gnomAD no frequency). Algorithms developed to predict the effect of sequence changes on RNA splicing suggest that this variant may disrupt the consensus splice site. In summary, the available evidence is currently insufficient to determine the role of this variant in disease. Therefore, it has been classified as a Variant of Uncertain Significance.

Literature cited by the submitters: PubMed 29891534.

NM_000551.4(VHL):c.340+813A>G

Genes: VHL (von Hippel-Lindau tumor suppressor; plus strand), LOC107303340 (3p25 von Hippel-Lindau tumor suppressor, E3 ubiquitin protein ligase Alu-mediated recombination region; plus strand). Cytogenetic location: 3p25.3.
Variant type: single nucleotide variant.
Coding change: c.340+813A>G on transcript NM_000551.4 (MANE Select); 813 bases into the intron after coding-DNA position 340, A replaced by G.
Molecular consequence: intron variant. On other transcripts: missense variant (1), non-coding transcript variant (1).
Genome position (GRCh38, 1-based): chr3:10,143,000, A>G. VCF-style: chr3-10143000-A-G. GRCh37 (hg19) VCF-style: chr3-10184684-A-G.
Other names: c.578A>G, p.Glu193Gly (NM_001354723.2); c.340+813A>G (NM_198156.3); short protein forms E193G.
Identifiers: ClinVar variation 2943260 (VCV002943260.3), dbSNP rs2125126124, ClinGen allele CA2664402327.
Genomic context (GRCh38, chr3:10,143,000, plus strand): 5'-GTTGCGGTTGTGTGGTTTCAGTTAAGGAGCACTTCCCGGAGAAGGAAGAGAGCAGGATGG[A>G]GTAGGAACTAGCCAACCCTAGGTAAGAGGTTCTAGACATGCGTGCGTTGAGACCTGGAGT-3'